The following is an entry in ClinVar:

ClinVar aggregate classification (germline): Uncertain significance (1 of 4 stars; one submission).

gnomAD v4.1: 28 of 1,609,862 alleles (0.0017%); highest among the groups gnomAD compares: East Asian, 0.0022%; no homozygotes.

Submissions (2):

Labcorp Genetics (formerly Invitae), Labcorp
Classification: Uncertain significance. Last evaluated: 2025-03-20. Review status: criteria provided, single submitter. Criteria: Invitae Variant Classification Sherloc (09022015). Collection method: clinical testing. Allele origin: germline.
Comment: This sequence change falls in intron 5 of the CD81 gene. It does not directly change the encoded amino acid sequence of the CD81 protein. It affects a nucleotide within the consensus splice site. This variant is present in population databases (rs772075353, gnomAD 0.004%). This variant has not been reported in the literature in individuals affected with CD81-related conditions. Variants that disrupt the consensus splice site are a relatively common cause of aberrant splicing (PMID: 17576681, 9536098). Algorithms developed to predict the effect of sequence changes on RNA splicing suggest that this variant may disrupt the consensus splice site. In summary, the available evidence is currently insufficient to determine the role of this variant in disease. Therefore, it has been classified as a Variant of Uncertain Significance.

Dr. Peter K. Rogan Lab, Western University
No classification provided (evidence only). Condition: Ovarian serous cystadenocarcinoma. Review status: no classification provided. Collection method: in vitro. Allele origin: not applicable. Functional consequence: retained intron. Not counted in ClinVar's aggregate classification.

Literature cited by the submitters: PubMed 17576681 (cited by Labcorp Genetics (formerly Invitae), Labcorp); PubMed 9536098 (cited by Labcorp Genetics (formerly Invitae), Labcorp).

NM_004356.4(CD81):c.459+5G>A

Gene: CD81 (CD81 molecule; plus strand). Cytogenetic location: 11p15.5.
Variant type: single nucleotide variant.
Coding change: c.459+5G>A on transcript NM_004356.4 (MANE Select); 5 bases into the intron after coding-DNA position 459, G replaced by A.
Molecular consequence: intron variant.
Genome position (GRCh38, 1-based): chr11:2,395,525, G>A. VCF-style: chr11-2395525-G-A. GRCh37 (hg19) VCF-style: chr11-2416755-G-A.
Other names: c.246+5G>A (NM_001425129.1, NM_001297649.2, NM_001425130.1 and 4 more transcripts); c.582+5G>A (NM_001425135.1); c.459+5G>A (NM_001425137.1).
Identifiers: ClinVar variation 3677914 (VCV003677914.3).